The following is an entry in ClinVar:

ClinVar aggregate classification (germline): Conflicting classifications of pathogenicity. Review status: criteria provided, conflicting classifications (1 of 4 stars). 3 submissions from 3 submitters: Uncertain significance (1); Likely benign (2). Last evaluated 2026-01-21.

Conditions:
Primary ciliary dyskinesia. Also called: Ciliary dyskinesia. Identifiers: Orphanet 244, MedGen C0008780, MONDO:0016575, HP:0012265.

Allele frequency attached by ClinVar (database versions not stated): gnomAD exomes 0.00005; ExAC 0.00007; ESP Exome Variant Server 0.00008; gnomAD 0.00013; TOPMed 0.00025; 1000 Genomes Project 0.00040; 1000 Genomes Project 30x 0.00062.
gnomAD v4.1: 93 of 1,613,200 alleles (0.0058%); highest among the groups gnomAD compares: Middle Eastern, 0.18%; no homozygotes.

Submissions (3):

Labcorp Genetics (formerly Invitae), Labcorp
Classification: Likely benign for Primary ciliary dyskinesia. Last evaluated: 2026-01-21. Review status: criteria provided, single submitter. Criteria: Invitae Variant Classification Sherloc (09022015). Collection method: clinical testing. Allele origin: germline.

CeGaT Center for Human Genetics Tuebingen
Classification: Likely benign. Last evaluated: 2023-11-01. Review status: criteria provided, single submitter. Criteria: CeGaT Center For Human Genetics Tuebingen Variant Classification Criteria Version 2. Collection method: clinical testing. Allele origin: germline. Affected: yes. Observed: 1 variant allele.
Comment: DNAH5: BP4

Ambry Genetics
Classification: Uncertain significance for Primary ciliary dyskinesia. Last evaluated: 2017-07-25. Review status: criteria provided, single submitter. Criteria: Ambry Variant Classification Scheme 2023. Collection method: clinical testing. Allele origin: germline.
Comment: The p.A418T variant (also known as c.1252G>A), located in coding exon 10 of the DNAH5 gene, results from a G to A substitution at nucleotide position 1252. The alanine at codon 418 is replaced by threonine, an amino acid with similar properties. This amino acid position is not well conserved in available vertebrate species. In addition, this alteration is predicted to be tolerated by in silico analysis. Since supporting evidence is limited at this time, the clinical significance of this alteration remains unclear.

NM_001369.3(DNAH5):c.1252G>A (p.Ala418Thr)

Gene: DNAH5 (dynein axonemal heavy chain 5; minus strand). Cytogenetic location: 5p15.2.
Variant type: single nucleotide variant.
Coding change: c.1252G>A on transcript NM_001369.3 (MANE Select); coding-DNA position 1252, G replaced by A.
Protein change: p.Ala418Thr; replaces alanine 418 with threonine.
Molecular consequence: missense variant.
Genome position (GRCh38, 1-based): chr5:13,914,588, C>T on the plus strand (G>A on the coding strand, the complement: DNAH5 is on the minus strand). VCF-style: chr5-13914588-C-T. GRCh37 (hg19) VCF-style: chr5-13914697-C-T.
Other names: short protein forms A418T.
Identifiers: ClinVar variation 1761101 (VCV001761101.31), dbSNP rs140388814, ClinGen allele CA3204901.